The following is an entry in ClinVar:

ClinVar aggregate classification (germline): Pathogenic (1 of 4 stars; one submission).

Submission:

ISCA Site 6
Classification: Pathogenic. Last evaluated: 2011-08-12. Review status: criteria provided, single submitter. Criteria: Kaminsky et al. (Genet Med. 2011). Collection method: clinical testing. Allele origin: unknown. Affected: yes. Observed: 1 variant allele.
Comment: Copy number variation identified through the course of routine clinical cytogenomic testing in postnatal populations. Clinical assertions have been curated as described in Kaminsky et al. 2011.

GRCh38/hg38 15q24.2(chr15:75336215-75658670)x3

Genes: COMMD4 (COMM domain containing 4; plus strand), IMP3 (IMP U3 small nucleolar ribonucleoprotein 3; minus strand), MAN2C1 (mannosidase alpha class 2C member 1; minus strand), MIR631 (microRNA 631; minus strand), NEIL1 (nei like DNA glycosylase 1; plus strand) and 26 more. Cytogenetic location: 15q24.2.
Variant type: copy number gain.
Change: copy number 3 (three copies instead of two) of chr15:75,336,215-75,658,670 (322.5 kb, GRCh38 coordinates, 1-based), cytogenetic band 15q24.2.
Identifiers: ClinVar variation 58080 (VCV000058080.2).